The following is an entry in ClinVar:

NM_019844.4(SLCO1B3):c.205_209dup (p.Asp70fs)

Genes: SLCO1B3 (solute carrier organic anion transporter family member 1B3; plus strand), SLCO1B3-SLCO1B7 (SLCO1B3-SLCO1B7 readthrough; plus strand). Cytogenetic location: 12p12.2.
Variant type: Duplication.
Coding change: c.205_209dup on transcript NM_019844.4 (MANE Select); coding-DNA positions 205 to 209, 5 bases duplicated (ATTGA; older notation c.205_209dupATTGA).
Protein change: p.Asp70fs; shifts the reading frame from aspartic acid 70.
Molecular consequence: frameshift variant.
Genome position (GRCh38, 1-based): chr12:20,855,148-20,855,152, ATTGA duplicated; duplicating any 5 consecutive bases within chr12:20,855,147-20,855,152 gives the same sequence; the c. name uses the placement nearest the transcript's 3' end. VCF-style (leftmost placement, unchanged base first): chr12-20855146-T-TAATTG. GRCh37 (hg19) VCF-style: chr12-21008080-T-TAATTG.
Other names: c.205_209dup, p.Asp70fs (NM_001371097.1); c.121_125dup, p.Asp42fs (NM_001349920.2); short protein forms D70fs, D42fs.
Identifiers: ClinVar variation 712105 (VCV000712105.12), dbSNP rs558592800, ClinGen allele CA6475089.

ClinVar aggregate classification (germline): Conflicting classifications of pathogenicity. Review status: criteria provided, conflicting classifications (1 of 4 stars). 4 submissions from 4 submitters: Pathogenic (1); Likely pathogenic (1); Uncertain significance (1); Benign (1). Last evaluated 2026-07-20.

Conditions:
Rotor syndrome (HBLRR). Also called: HYPERBILIRUBINEMIA, ROTOR TYPE, DIGENIC; HYPERBILIRUBINEMIA, ROTOR TYPE. Identifiers: Orphanet 3111, MedGen C0220991, MONDO:0009379, OMIM 237450.
SLCO1B3-related disorder. Also called: SLCO1B3-related condition.

Submissions (4):

PreventionGenetics, part of Exact Sciences
Classification: Likely pathogenic for SLCO1B3-related condition. Last evaluated: 2026-07-20. Review status: criteria provided, single submitter. Criteria: ACMG Guidelines, 2015. Collection method: clinical testing. Allele origin: germline.
Comment: The SLCO1B3 c.205_209dup5 variant is predicted to result in a frameshift and premature protein termination (p.Asp70Glufs*13). This variant was positively associated with total bilirubin within the UK Biobank (Table S6 in Backman et al. 2021. PubMed ID: 34662886). This variant is reported in 2.0% of alleles in individuals of European (Finnish) descent in gnomAD, including 13 homozygous individuals which is higher than expected for a fully penetrant monogenic disorder. However, loss-of-function variants in SLCO1B3, in combination with loss of function variants in SLCO1B1, are known to cause digenic recessive Rotor syndrome (Morais and Machado. 2019. PubMed ID: 35860851). Based on this evidence, the variant is interpreted as likely pathogenic when present with additional loss-of-function variants impacting SLCO1B3 and SLCO1B1.

ARUP Laboratories, Molecular Genetics and Genomics, ARUP Laboratories
Classification: Pathogenic for Rotor syndrome. Last evaluated: 2025-03-04. Review status: criteria provided, single submitter. Criteria: ARUP Molecular Germline Variant Investigation Process 2024. Collection method: clinical testing. Allele origin: germline.
Comment: The SLCO1B3 c.205_209dup; p.Asp70GlufsTer13 variant (rs558592800) to our knowledge, is not reported in the context of hyperbilirubinemia, but is reported in ClinVar (Variation ID: 712105). This variant is found in the general population with an overall allele frequency of 0.4% (1243/277294 alleles, including 13 homozygotes) in the Genome Aggregation Database (v2.1.1). This variant causes a frameshift by inserting 5 nucleotides, so it is predicted to result in a truncated protein or mRNA subject to nonsense-mediated decay. Since the mechanism of pathogenicity for SLCO1B3 is by loss-of-function, this variant is considered to be pathogenic.

Mendelics
Classification: Uncertain significance for Rotor syndrome. Last evaluated: 2019-05-28. Review status: criteria provided, single submitter. Criteria: Mendelics Assertion Criteria 2017. Collection method: clinical testing. Allele origin: unknown.

Labcorp Genetics (formerly Invitae), Labcorp
Classification: Benign. Last evaluated: 2018-11-03. Review status: criteria provided, single submitter. Criteria: Invitae Variant Classification Sherloc (09022015). Collection method: clinical testing. Allele origin: germline.